The following is an entry in ClinVar:

NM_006306.4(SMC1A):c.1169C>T (p.Ala390Val)

Gene: SMC1A (structural maintenance of chromosomes 1A; minus strand). Cytogenetic location: Xp11.22.
Variant type: single nucleotide variant.
Coding change: c.1169C>T on transcript NM_006306.4 (MANE Select); coding-DNA position 1169, C replaced by T.
Protein change: p.Ala390Val; replaces alanine 390 with valine.
Molecular consequence: missense variant.
Genome position (GRCh38, 1-based): chrX:53,411,846, G>A on the plus strand (C>T on the coding strand, the complement: SMC1A is on the minus strand). VCF-style: chrX-53411846-G-A. GRCh37 (hg19) VCF-style: chrX-53438796-G-A.
Other names: c.1103C>T, p.Ala368Val (NM_001281463.1); short protein forms A368V, A390V.
Identifiers: ClinVar variation 3667570 (VCV003667570.2).

ClinVar aggregate classification (germline): Uncertain significance (1 of 4 stars; one submission).

Conditions:
Congenital muscular hypertrophy-cerebral syndrome (CDLS2). Also called: Cornelia de Lange syndrome 2; SMC1A-Related Cornelia de Lange Syndrome. Identifiers: Orphanet 199, MedGen C1802395, MONDO:0010370, OMIM 300590.

gnomAD v4.1: 3 of 1,211,111 alleles (0.00025%); highest among the groups gnomAD compares: Non-Finnish European, 0.00034%; no homozygotes.

Submission:

Labcorp Genetics (formerly Invitae), Labcorp
Classification: Uncertain significance for Congenital muscular hypertrophy-cerebral syndrome. Last evaluated: 2024-09-16. Review status: criteria provided, single submitter. Criteria: Invitae Variant Classification Sherloc (09022015). Collection method: clinical testing. Allele origin: germline.
Comment: This sequence change replaces alanine, which is neutral and non-polar, with valine, which is neutral and non-polar, at codon 390 of the SMC1A protein (p.Ala390Val). This variant is not present in population databases (gnomAD no frequency). This variant has not been reported in the literature in individuals affected with SMC1A-related conditions. Invitae Evidence Modeling of protein sequence and biophysical properties (such as structural, functional, and spatial information, amino acid conservation, physicochemical variation, residue mobility, and thermodynamic stability) indicates that this missense variant is not expected to disrupt SMC1A protein function with a negative predictive value of 80%. In summary, the available evidence is currently insufficient to determine the role of this variant in disease. Therefore, it has been classified as a Variant of Uncertain Significance.